The following is an entry in ClinVar:

ClinVar aggregate classification (germline): Uncertain significance (1 of 4 stars; one submission).

Conditions:
Fanconi anemia (FA). Also called: Fanconi's anemia. Identifiers: Orphanet 84, MedGen C0015625, MeSH D005199, MONDO:0019391.

Submission:

Labcorp Genetics (formerly Invitae), Labcorp
Classification: Uncertain significance for Fanconi anemia. Last evaluated: 2024-12-03. Review status: criteria provided, single submitter. Criteria: Invitae Variant Classification Sherloc (09022015). Collection method: clinical testing. Allele origin: germline.
Comment: This sequence change replaces lysine, which is basic and polar, with arginine, which is basic and polar, at codon 211 of the FANCB protein (p.Lys211Arg). This variant is not present in population databases (gnomAD no frequency). This variant has not been reported in the literature in individuals affected with FANCB-related conditions. Invitae Evidence Modeling of protein sequence and biophysical properties (such as structural, functional, and spatial information, amino acid conservation, physicochemical variation, residue mobility, and thermodynamic stability) indicates that this missense variant is not expected to disrupt FANCB protein function with a negative predictive value of 80%. In summary, the available evidence is currently insufficient to determine the role of this variant in disease. Therefore, it has been classified as a Variant of Uncertain Significance.

NM_001018113.3(FANCB):c.632A>G (p.Lys211Arg)

Gene: FANCB (FA complementation group B; minus strand). Cytogenetic location: Xp22.2.
Variant type: single nucleotide variant.
Coding change: c.632A>G on transcript NM_001018113.3 (MANE Select); coding-DNA position 632, A replaced by G.
Protein change: p.Lys211Arg; replaces lysine 211 with arginine.
Molecular consequence: missense variant.
Genome position (GRCh38, 1-based): chrX:14,864,879, T>C on the plus strand (A>G on the coding strand, the complement: FANCB is on the minus strand). VCF-style: chrX-14864879-T-C. GRCh37 (hg19) VCF-style: chrX-14883001-T-C.
Other names: c.632A>G, p.Lys211Arg (NM_001324162.2, NM_001410764.1, NM_152633.4); short protein forms K211R.
Identifiers: ClinVar variation 3620354 (VCV003620354.2).